The following is an entry in ClinVar:

ClinVar aggregate classification (germline): Uncertain significance (1 of 4 stars; one submission).

Conditions:
Autosomal dominant nocturnal frontal lobe epilepsy 5. Also called: KCNT1-Related Epilepsy; CILIARY DYSKINESIA, PRIMARY, 28, WITHOUT SITUS INVERSUS; CILIARY DYSKINESIA, PRIMARY, 28, WITH SITUS INVERSUS; Epilepsy, nocturnal frontal lobe, 5. Identifiers: Orphanet 98784, MedGen C3554306, MONDO:0014002, OMIM 615005.
Developmental and epileptic encephalopathy, 14 (DEE14). Also called: Early infantile epileptic encephalopathy 14. Identifiers: Orphanet 293181, MedGen C3554195, MONDO:0013989, OMIM 614959.

Submission:

Labcorp Genetics (formerly Invitae), Labcorp
Classification: Uncertain significance for Autosomal dominant nocturnal frontal lobe epilepsy 5; Developmental and epileptic encephalopathy, 14. Last evaluated: 2025-03-04. Review status: criteria provided, single submitter. Criteria: Invitae Variant Classification Sherloc (09022015). Collection method: clinical testing. Allele origin: germline.
Comment: This sequence change creates a premature translational stop signal (p.Pro708Alafs*29) in the KCNT1 gene. It is expected to result in an absent or disrupted protein product. However, the current clinical and genetic evidence is not sufficient to establish whether loss-of-function variants in KCNT1 cause disease. This variant is not present in population databases (gnomAD no frequency). This variant has not been reported in the literature in individuals affected with KCNT1-related conditions. In summary, the available evidence is currently insufficient to determine the role of this variant in disease. Therefore, it has been classified as a Variant of Uncertain Significance.

NM_020822.3(KCNT1):c.2118_2121dup (p.Pro708fs)

Gene: KCNT1 (potassium sodium-activated channel subfamily T member 1; plus strand). Cytogenetic location: 9q34.3.
Variant type: Duplication.
Coding change: c.2118_2121dup on transcript NM_020822.3 (MANE Select); coding-DNA positions 2118 to 2121, 4 bases duplicated (GCGG; older notation c.2118_2121dupGCGG).
Protein change: p.Pro708fs; shifts the reading frame from proline 708.
Molecular consequence: frameshift variant.
Genome position (GRCh38, 1-based): chr9:135,772,824-135,772,827, GCGG duplicated; duplicating any 4 consecutive bases within chr9:135,772,823-135,772,827 gives the same sequence; the c. name uses the placement nearest the transcript's 3' end. VCF-style (leftmost placement, unchanged base first): chr9-135772822-C-CGGCG. GRCh37 (hg19) VCF-style: chr9-138664668-C-CGGCG.
Other names: c.1983_1986dup, p.Pro663fs (NM_001272003.2); short protein forms P663fs, P708fs.
Identifiers: ClinVar variation 3760158 (VCV003760158.2).